The following is an entry in ClinVar:

ClinVar aggregate classification (germline): Benign/Likely benign. Review status: criteria provided, multiple submitters, no conflicts (2 of 4 stars). 5 submissions from 5 submitters: Benign (3); Likely benign (2). Last evaluated 2026-06-01.

Conditions:
Primary ciliary dyskinesia. Also called: Ciliary dyskinesia. Identifiers: Orphanet 244, MedGen C0008780, MONDO:0016575, HP:0012265.

Allele frequency attached by ClinVar (database versions not stated): gnomAD 0.00163 and 0.00179; TOPMed 0.00207; gnomAD exomes 0.00017 and 0.00041; ExAC 0.00050; 1000 Genomes Project 0.00100; 1000 Genomes Project 30x 0.00109; ESP Exome Variant Server 0.00146.
gnomAD v4.1: 513 of 1,613,976 alleles (0.032%); highest among the groups gnomAD compares: African/African-American, 0.6%; 2 homozygotes.

Submissions (5):

CeGaT Center for Human Genetics Tuebingen
Classification: Likely benign. Last evaluated: 2026-06-01. Review status: criteria provided, single submitter. Criteria: CeGaT Center For Human Genetics Tuebingen Variant Classification Criteria Version 2. Collection method: clinical testing. Allele origin: germline. Affected: yes. Observed: 1 variant allele.
Comment: DNAH5: BP4, BP7

Labcorp Genetics (formerly Invitae), Labcorp
Classification: Benign for Primary ciliary dyskinesia. Last evaluated: 2026-01-23. Review status: criteria provided, single submitter. Criteria: Invitae Variant Classification Sherloc (09022015). Collection method: clinical testing. Allele origin: germline.

Blueprint Genetics
Classification: Likely benign. Last evaluated: 2024-11-26. Review status: criteria provided, single submitter. Criteria: ACMG Guidelines, 2015. Collection method: clinical testing. Allele origin: germline.

Ambry Genetics
Classification: Benign for Primary ciliary dyskinesia. Last evaluated: 2017-02-28. Review status: criteria provided, single submitter. Criteria: Ambry Variant Classification Scheme 2023. Collection method: clinical testing. Allele origin: germline.

Eurofins Ntd Llc (ga)
Classification: Benign. Last evaluated: 2015-02-24. Review status: criteria provided, single submitter. Criteria: EGL Classification Definitions 2015. Collection method: clinical testing. Allele origin: germline. Observed: 1 variant allele, 1 heterozygote.

NM_001369.3(DNAH5):c.3363T>G (p.Ser1121=)

Genes: DNAH5-AS1 (DNAH5 antisense RNA 1; plus strand), DNAH5 (dynein axonemal heavy chain 5; minus strand). Cytogenetic location: 5p15.2.
Variant type: single nucleotide variant.
Coding change: c.3363T>G on transcript NM_001369.3 (MANE Select); coding-DNA position 3363, T replaced by G.
Protein change: p.Ser1121=; no amino-acid change (serine 1121 retained).
Molecular consequence: synonymous variant.
Genome position (GRCh38, 1-based): chr5:13,876,717, A>C on the plus strand (T>G on the coding strand, the complement: DNAH5 is on the minus strand). VCF-style: chr5-13876717-A-C. GRCh37 (hg19) VCF-style: chr5-13876826-A-C.
Identifiers: ClinVar variation 195668 (VCV000195668.21), dbSNP rs58266192, ClinGen allele CA201882.